The following is an entry in ClinVar:

NM_001089.3(ABCA3):c.639C>A (p.Ala213=)

Gene: ABCA3 (ATP binding cassette subfamily A member 3; minus strand). Cytogenetic location: 16p13.3.
Variant type: single nucleotide variant.
Coding change: c.639C>A on transcript NM_001089.3 (MANE Select); coding-DNA position 639, C replaced by A.
Protein change: p.Ala213=; no amino-acid change (alanine 213 retained).
Molecular consequence: synonymous variant.
Genome position (GRCh38, 1-based): chr16:2,319,815, G>T on the plus strand (C>A on the coding strand, the complement: ABCA3 is on the minus strand). VCF-style: chr16-2319815-G-T. GRCh37 (hg19) VCF-style: chr16-2369816-G-T.
Identifiers: ClinVar variation 742312 (VCV000742312.10), dbSNP rs778504757, ClinGen allele CA7841566.

ClinVar aggregate classification (germline): Likely benign. Review status: criteria provided, multiple submitters, no conflicts (2 of 4 stars). 3 submissions from 3 submitters: Likely benign (2). 1 of the submissions does not count toward it. Last evaluated 2026-03-21.

Conditions:
ABCA3-related disorder. Also called: ABCA3-related condition.
Hereditary pulmonary alveolar proteinosis. Also called: Pulmonary surfactant metabolism dysfunction. Identifiers: Orphanet 264675, MedGen C3711368, MONDO:0012580.

Allele frequency attached by ClinVar (database versions not stated): TOPMed 0.00006.
gnomAD v4.1: 40 of 1,613,804 alleles (0.0025%); highest among the groups gnomAD compares: Admixed American, 0.065%; no homozygotes.

Submissions (3):

Ambry Genetics
Classification: Likely benign for Hereditary pulmonary alveolar proteinosis. Last evaluated: 2026-03-21. Review status: criteria provided, single submitter. Criteria: Ambry Variant Classification Scheme 2023. Collection method: clinical testing. Allele origin: germline.

Labcorp Genetics (formerly Invitae), Labcorp
Classification: Likely benign. Last evaluated: 2025-11-18. Review status: criteria provided, single submitter. Criteria: Invitae Variant Classification Sherloc (09022015). Collection method: clinical testing. Allele origin: germline.

PreventionGenetics, part of Exact Sciences
Classification: Likely benign for ABCA3-related condition. Last evaluated: 2019-02-28. Review status: no assertion criteria provided. Collection method: clinical testing. Allele origin: germline. Not counted in ClinVar's aggregate classification.
Comment: This variant is classified as likely benign based on ACMG/AMP sequence variant interpretation guidelines (Richards et al. 2015 PMID: 25741868, with internal and published modifications).